The following is an entry in ClinVar:

NM_022168.4(IFIH1):c.289C>A (p.Pro97Thr)

Gene: IFIH1 (interferon induced with helicase C domain 1; minus strand). Cytogenetic location: 2q24.2.
Variant type: single nucleotide variant.
Coding change: c.289C>A on transcript NM_022168.4 (MANE Select); coding-DNA position 289, C replaced by A.
Protein change: p.Pro97Thr; replaces proline 97 with threonine.
Molecular consequence: missense variant.
Genome position (GRCh38, 1-based): chr2:162,318,019, G>T on the plus strand (C>A on the coding strand, the complement: IFIH1 is on the minus strand). VCF-style: chr2-162318019-G-T. GRCh37 (hg19) VCF-style: chr2-163174529-G-T.
Other names: short protein forms P97T.
Identifiers: ClinVar variation 2191077 (VCV002191077.4), dbSNP rs1306329943, ClinGen allele CA349013683.

ClinVar aggregate classification (germline): Uncertain significance (1 of 4 stars; one submission).

Conditions:
Singleton-Merten syndrome 1 (SGMRT1). Also called: Widened medullary cavities of bone, aortic calcification, abnormal dentition, and muscular weakness; Syndrome of widened medullary cavities of the metacarpals and phalanges, aortic calcification and abnormal dentition. Identifiers: Orphanet 85191, MedGen C4225427, MONDO:0024535, OMIM 182250.
Aicardi-Goutieres syndrome 7 (AGS7). Identifiers: Orphanet 51, MedGen C3888244, MONDO:0014367, OMIM 615846.

Allele frequency attached by ClinVar (database versions not stated): gnomAD exomes 0.00001.
gnomAD v4.1: 18 of 1,614,180 alleles (0.0011%); highest among the groups gnomAD compares: Admixed American, 0.005%; no homozygotes.

Submission:

Labcorp Genetics (formerly Invitae), Labcorp
Classification: Uncertain significance for Aicardi-Goutieres syndrome 7; Singleton-Merten syndrome 1. Last evaluated: 2023-09-09. Review status: criteria provided, single submitter. Criteria: Invitae Variant Classification Sherloc (09022015). Collection method: clinical testing. Allele origin: germline.
Comment: In summary, the available evidence is currently insufficient to determine the role of this variant in disease. Therefore, it has been classified as a Variant of Uncertain Significance. Advanced modeling of protein sequence and biophysical properties (such as structural, functional, and spatial information, amino acid conservation, physicochemical variation, residue mobility, and thermodynamic stability) has been performed at Invitae for this missense variant, however the output from this modeling did not meet the statistical confidence thresholds required to predict the impact of this variant on IFIH1 protein function. ClinVar contains an entry for this variant (Variation ID: 2191077). This variant has not been reported in the literature in individuals affected with IFIH1-related conditions. This variant is present in population databases (no rsID available, gnomAD 0.003%). This sequence change replaces proline, which is neutral and non-polar, with threonine, which is neutral and polar, at codon 97 of the IFIH1 protein (p.Pro97Thr).